The following is an entry in ClinVar:

ClinVar aggregate classification (germline): Uncertain significance (1 of 4 stars; one submission).

Allele frequency attached by ClinVar (database versions not stated): TOPMed 0.00002; gnomAD exomes below 0.00001; gnomAD 0.00001; ESP Exome Variant Server 0.00008.
gnomAD v4.1: 3 of 1,613,740 alleles (0.00019%); highest among the groups gnomAD compares: African/African-American, 0.004%; no homozygotes.

Submission:

Labcorp Genetics (formerly Invitae), Labcorp
Classification: Uncertain significance. Last evaluated: 2022-01-13. Review status: criteria provided, single submitter. Criteria: Invitae Variant Classification Sherloc (09022015). Collection method: clinical testing. Allele origin: germline.
Comment: This sequence change replaces alanine, which is neutral and non-polar, with aspartic acid, which is acidic and polar, at codon 460 of the TRPM1 protein (p.Ala460Asp). This variant is present in population databases (rs373717525, gnomAD 0.007%). This variant has not been reported in the literature in individuals affected with TRPM1-related conditions. Algorithms developed to predict the effect of missense changes on protein structure and function are either unavailable or do not agree on the potential impact of this missense change (SIFT: "Deleterious"; PolyPhen-2: "Possibly Damaging"; Align-GVGD: "Class C0"). In summary, the available evidence is currently insufficient to determine the role of this variant in disease. Therefore, it has been classified as a Variant of Uncertain Significance.

NM_001252024.2(TRPM1):c.1445C>A (p.Ala482Asp)

Gene: TRPM1 (transient receptor potential cation channel subfamily M member 1; minus strand). Cytogenetic location: 15q13.3.
Variant type: single nucleotide variant.
Coding change: c.1445C>A on transcript NM_001252024.2 (MANE Select); coding-DNA position 1445, C replaced by A.
Protein change: p.Ala482Asp; replaces alanine 482 with aspartic acid.
Molecular consequence: missense variant.
Genome position (GRCh38, 1-based): chr15:31,049,502, G>T on the plus strand (C>A on the coding strand, the complement: TRPM1 is on the minus strand). VCF-style: chr15-31049502-G-T. GRCh37 (hg19) VCF-style: chr15-31341705-G-T.
Other names: c.1496C>A, p.Ala499Asp (NM_001252020.2); c.1379C>A, p.Ala460Asp (NM_002420.6); short protein forms A482D, A460D, A499D.
Identifiers: ClinVar variation 1524602 (VCV001524602.5), dbSNP rs373717525, ClinGen allele CA267481075.